The following is an entry in ClinVar:

ClinVar aggregate classification (germline): Conflicting classifications of pathogenicity. Review status: criteria provided, conflicting classifications (1 of 4 stars). 4 submissions from 4 submitters: Uncertain significance (1); Likely benign (2). 1 of the submissions does not count toward it. Last evaluated 2024-05-23.

Conditions:
VPS13B-related disorder. Also called: VPS13B-related condition.
Primary ciliary dyskinesia 28. Also called: CILIARY DYSKINESIA, PRIMARY, 28, WITH OR WITHOUT SITUS INVERSUS. Identifiers: Orphanet 244, MedGen C3809706, MONDO:0014216, OMIM 615505.
Primary ciliary dyskinesia. Also called: Ciliary dyskinesia. Identifiers: Orphanet 244, MedGen C0008780, MONDO:0016575, HP:0012265.

Allele frequency attached by ClinVar (database versions not stated): gnomAD exomes 0.00001; TOPMed 0.00015.
gnomAD v4.1: 34 of 1,238,838 alleles (0.0027%); highest among the groups gnomAD compares: African/African-American, 0.044%; no homozygotes.

Submissions (4):

Fulgent Genetics
Classification: Uncertain significance for Primary ciliary dyskinesia 28. Last evaluated: 2024-05-23. Review status: criteria provided, single submitter. Criteria: ACMG Guidelines, 2015. Collection method: clinical testing. Allele origin: germline.

Labcorp Genetics (formerly Invitae), Labcorp
Classification: Likely benign for Primary ciliary dyskinesia 28. Last evaluated: 2024-02-02. Review status: criteria provided, single submitter. Criteria: Invitae Variant Classification Sherloc (09022015). Collection method: clinical testing. Allele origin: germline.

Ambry Genetics
Classification: Likely benign for Primary ciliary dyskinesia. Last evaluated: 2023-12-11. Review status: criteria provided, single submitter. Criteria: Ambry Variant Classification Scheme 2023. Collection method: clinical testing. Allele origin: germline.

PreventionGenetics, part of Exact Sciences
Classification: Likely benign for VPS13B-related condition. Last evaluated: 2023-08-25. Review status: no assertion criteria provided. Collection method: clinical testing. Allele origin: germline. Not counted in ClinVar's aggregate classification.
Comment: This variant is classified as likely benign based on ACMG/AMP sequence variant interpretation guidelines (Richards et al. 2015 PMID: 25741868, with internal and published modifications).

NM_003114.5(SPAG1):c.1314C>T (p.Gly438=)

Genes: SPAG1 (sperm associated antigen 1; plus strand), VPS13B (vacuolar protein sorting 13 homolog B; plus strand), LOC130000832 (ATAC-STARR-seq lymphoblastoid silent region 19412; plus strand). Cytogenetic location: 8q22.2.
Variant type: single nucleotide variant.
Coding change: c.1314C>T on transcript NM_003114.5 (MANE Select); coding-DNA position 1314, C replaced by T.
Protein change: p.Gly438=; no amino-acid change (glycine 438 retained).
Molecular consequence: synonymous variant.
Genome position (GRCh38, 1-based): chr8:100,213,307, C>T. VCF-style: chr8-100213307-C-T. GRCh37 (hg19) VCF-style: chr8-101225535-C-T.
Other names: c.1314C>T, p.Gly438= (NM_001374321.1, NM_172218.3); c.1314C>T (NM_172218.2).
Identifiers: ClinVar variation 2857556 (VCV002857556.7), dbSNP rs764792306, ClinGen allele CA4827475.